The following is an entry in ClinVar:

NM_001349338.3(FOXP1):c.1237C>G (p.Pro413Ala)

Gene: FOXP1 (forkhead box P1; minus strand). Cytogenetic location: 3p13.
Variant type: single nucleotide variant.
Coding change: c.1237C>G on transcript NM_001349338.3 (MANE Select); coding-DNA position 1237, C replaced by G.
Protein change: p.Pro413Ala; replaces proline 413 with alanine.
Molecular consequence: missense variant. On other transcripts: non-coding transcript variant (2).
Genome position (GRCh38, 1-based): chr3:70,977,939, G>C on the plus strand (C>G on the coding strand, the complement: FOXP1 is on the minus strand). VCF-style: chr3-70977939-G-C. GRCh37 (hg19) VCF-style: chr3-71027090-G-C.
Other names: c.1237C>G, p.Pro413Ala (NM_001244808.3, NM_001244810.2, NM_001244814.3 and 3 more transcripts); c.1009C>G, p.Pro337Ala (NM_001244812.3); c.937C>G, p.Pro313Ala (NM_001244813.3, NM_001244815.2, NM_001349342.3 and 1 more transcripts); c.934C>G, p.Pro312Ala (NM_001349337.2, NM_001349343.3, NM_001349344.3); c.1234C>G, p.Pro412Ala (NM_001349341.3); short protein forms P312A, P313A, P337A, P412A, P413A.
Identifiers: ClinVar variation 1305023 (VCV001305023.2), dbSNP rs2107317317, ClinGen allele CA353493978.
Genomic context (GRCh38, chr3:70,977,939, plus strand): 5'-CCACCGTGTGCATGCTGGTGGTTGTGATGACAGAGGGGCCTTGGGTGACGGGAGTCAGGG[G>C]GGCGGTTGGGGTCGTTGGAGTATGAGGTAAGCTCTGTGGAGAAGCCTCCGATGCGGACTT-3'
Protein context (NP_001336267.1, residues 403-423): LPHTPTTPTA[Pro413Ala]LTPVTQGPSV

ClinVar aggregate classification (germline): Uncertain significance (1 of 4 stars; one submission).

gnomAD v4.1: 2 of 1,614,158 alleles (0.00012%); highest among the groups gnomAD compares: East Asian, 0.0022%; no homozygotes.

Submission:

GeneDx
Classification: Uncertain significance. Last evaluated: 2019-04-25. Review status: criteria provided, single submitter. Criteria: GeneDx Variant Classification Process June 2021. Collection method: clinical testing. Allele origin: germline. Affected: yes.
Comment: Not observed in large population cohorts (Lek et al., 2016); In silico analysis, which includes protein predictors and evolutionary conservation, supports a deleterious effect; Has not been previously published as pathogenic or benign to our knowledge